The following is an entry in ClinVar:

NM_000157.4(GBA1):c.1204T>C (p.Tyr402His)

Genes: GBA1 (glucosylceramidase beta 1; minus strand), LOC106627981 (GBA recombination region; plus strand). Cytogenetic location: 1q22.
Variant type: single nucleotide variant.
Coding change: c.1204T>C on transcript NM_000157.4 (MANE Select); coding-DNA position 1204, T replaced by C.
Protein change: p.Tyr402His; replaces tyrosine 402 with histidine.
Molecular consequence: missense variant.
Genome position (GRCh38, 1-based): chr1:155,236,265, A>G on the plus strand (T>C on the coding strand, the complement: GBA1 is on the minus strand). VCF-style: chr1-155236265-A-G. GRCh37 (hg19) VCF-style: chr1-155206056-A-G.
Other names: c.1204T>C, p.Tyr402His (NM_001005741.3, NM_001005742.3); c.943T>C, p.Tyr315His (NM_001171811.2); c.1057T>C, p.Tyr353His (NM_001171812.2); short protein forms Y315H, Y353H, Y402H.
Identifiers: ClinVar variation 4817693 (VCV004817693.1).

ClinVar aggregate classification (germline): Likely pathogenic (1 of 4 stars; one submission).

Conditions:
Gaucher disease. Also called: Acute cerebral Gaucher disease; Cerebroside lipidosis syndrome; Gaucher splenomegaly; Sphingolipidosis 1; Glucocerebrosidosis; Glucosylceramidase deficiency. Identifiers: Orphanet 355, MedGen C0017205, MONDO:0018150.

Submission:

Natera, Inc.
Classification: Likely pathogenic for Gaucher disease. Last evaluated: 2025-02-24. Review status: criteria provided, single submitter. Criteria: Natera Variant Classification Schema (03/2026). Collection method: clinical testing. Allele origin: germline.
Comment: The c.1204T>C variant in GBA1 is a missense variant predicted to cause substitution of tyrosine to histidine at amino acid 402. This variant is rare in the general population with a frequency below the threshold expected for the associated phenotype(s). This variant has been observed in one or more individuals affected with the associated recessive disease, as either homozygous or compound heterozygous with a second variant (PMID: 23719189). This variant has been identified in one or more affected individuals with a phenotype highly consistent with the associated gene (PMID: 23719189). Computational prediction algorithms indicate this variant is likely to affect gene or protein function. Given the available evidence, this variant is classified as Likely Pathogenic.

Literature cited by the submitters: PubMed 23719189.